The following is an entry in ClinVar:

ClinVar aggregate classification (germline): Uncertain significance. Review status: criteria provided, multiple submitters, no conflicts (2 of 4 stars). 2 submissions from 2 submitters: Uncertain significance (2). Last evaluated 2025-11-04.

Conditions:
Hereditary cancer-predisposing syndrome. Also called: Neoplastic Syndromes, Hereditary; Tumor predisposition; Hereditary Cancer Syndrome; Hereditary neoplastic syndrome. Identifiers: Orphanet 140162, MedGen C0027672, MeSH D009386, MONDO:0015356.
Familial cancer of breast. Also called: hereditary breast carcinoma; BREAST CANCER, FAMILIAL; Hereditary breast cancer. Identifiers: Orphanet 227535, MedGen C0346153, MONDO:0016419, OMIM 114480. Disease mechanism: loss of function.

Submissions (2):

Color Diagnostics, LLC DBA Color Health
Classification: Uncertain significance for Hereditary cancer-predisposing syndrome. Last evaluated: 2025-11-04. Review status: criteria provided, single submitter. Criteria: ACMG Guidelines, 2015. Collection method: clinical testing. Allele origin: germline.
Comment: This missense variant replaces cysteine with arginine at codon 724 of the PALB2 protein. Computational prediction suggests that this variant may not impact protein structure and function. To our knowledge, functional studies have not been reported for this variant. This variant has not been reported in individuals affected with PALB2-related disorders in the literature. This variant has not been identified in the general population by the Genome Aggregation Database (gnomAD). The available evidence is insufficient to determine the role of this variant in disease conclusively. Therefore, this variant is classified as a Variant of Uncertain Significance.

Labcorp Genetics (formerly Invitae), Labcorp
Classification: Uncertain significance for Familial cancer of breast. Last evaluated: 2022-04-28. Review status: criteria provided, single submitter. Criteria: Invitae Variant Classification Sherloc (09022015). Collection method: clinical testing. Allele origin: germline.
Comment: This sequence change replaces cysteine, which is neutral and slightly polar, with arginine, which is basic and polar, at codon 724 of the PALB2 protein (p.Cys724Arg). This variant is not present in population databases (gnomAD no frequency). This variant has not been reported in the literature in individuals affected with PALB2-related conditions. ClinVar contains an entry for this variant (Variation ID: 652333). In summary, the available evidence is currently insufficient to determine the role of this variant in disease. Therefore, it has been classified as a Variant of Uncertain Significance. Algorithms developed to predict the effect of missense changes on protein structure and function are either unavailable or do not agree on the potential impact of this missense change (SIFT: "Tolerated"; PolyPhen-2: "Probably Damaging"; Align-GVGD: "Class C0").

NM_024675.4(PALB2):c.2170T>C (p.Cys724Arg)

Gene: PALB2 (partner and localizer of BRCA2; minus strand). Cytogenetic location: 16p12.2.
Variant type: single nucleotide variant.
Coding change: c.2170T>C on transcript NM_024675.4 (MANE Select); coding-DNA position 2170, T replaced by C.
Protein change: p.Cys724Arg; replaces cysteine 724 with arginine.
Molecular consequence: missense variant.
Genome position (GRCh38, 1-based): chr16:23,629,984, A>G on the plus strand (T>C on the coding strand, the complement: PALB2 is on the minus strand). VCF-style: chr16-23629984-A-G. GRCh37 (hg19) VCF-style: chr16-23641305-A-G.
Other names: short protein forms C724R.
Identifiers: ClinVar variation 652333 (VCV000652333.9), dbSNP rs1597089875, ClinGen allele CA395125654.